The following is an entry in ClinVar:

NM_001382347.1(MYO5A):c.268A>C (p.Arg90=)

Gene: MYO5A (myosin VA; minus strand). Cytogenetic location: 15q21.2.
Variant type: single nucleotide variant.
Coding change: c.268A>C on transcript NM_001382347.1 (MANE Select); coding-DNA position 268, A replaced by C.
Protein change: p.Arg90=; no amino-acid change (arginine 90 retained).
Molecular consequence: synonymous variant.
Genome position (GRCh38, 1-based): chr15:52,428,440, T>G on the plus strand (A>C on the coding strand, the complement: MYO5A is on the minus strand). VCF-style: chr15-52428440-T-G. GRCh37 (hg19) VCF-style: chr15-52720637-T-G.
Other names: c.268A>C, p.Arg90= (NM_000259.3, NM_001142495.2, NM_001411135.1); c.340A>C, p.Arg114= (NM_001382348.1, NM_001382349.1).
Identifiers: ClinVar variation 3025554 (VCV003025554.22), dbSNP rs2544178245, ClinGen allele CA490421909.

ClinVar aggregate classification (germline): Likely benign (1 of 4 stars; one submission).

Submission:

CeGaT Center for Human Genetics Tuebingen
Classification: Likely benign. Last evaluated: 2024-01-01. Review status: criteria provided, single submitter. Criteria: CeGaT Center For Human Genetics Tuebingen Variant Classification Criteria Version 2. Collection method: clinical testing. Allele origin: germline. Affected: yes. Observed: 1 variant allele.
Comment: MYO5A: PM2:Supporting, BP4, BP7